The following is an entry in ClinVar:

ClinVar aggregate classification (germline): Uncertain significance (1 of 4 stars; one submission).

gnomAD v4.1: 22 of 1,614,238 alleles (0.0014%); highest among the groups gnomAD compares: Non-Finnish European, 0.0018%; no homozygotes.

Submission:

Labcorp Genetics (formerly Invitae), Labcorp
Classification: Uncertain significance. Last evaluated: 2025-09-15. Review status: criteria provided, single submitter. Criteria: Invitae Variant Classification Sherloc (09022015). Collection method: clinical testing. Allele origin: germline.
Comment: This sequence change replaces threonine, which is neutral and polar, with isoleucine, which is neutral and non-polar, at codon 492 of the CDK13 protein (p.Thr492Ile). This variant is present in population databases (rs763042681, gnomAD 0.003%). This variant has not been reported in the literature in individuals affected with CDK13-related conditions. Invitae Evidence Modeling of protein sequence and biophysical properties (such as structural, functional, and spatial information, amino acid conservation, physicochemical variation, residue mobility, and thermodynamic stability) indicates that this missense variant is not expected to disrupt CDK13 protein function with a negative predictive value of 80%. In summary, the available evidence is currently insufficient to determine the role of this variant in disease. Therefore, it has been classified as a Variant of Uncertain Significance.

NM_003718.5(CDK13):c.1475C>T (p.Thr492Ile)

Gene: CDK13 (cyclin dependent kinase 13; plus strand). Cytogenetic location: 7p14.1.
Variant type: single nucleotide variant.
Coding change: c.1475C>T on transcript NM_003718.5 (MANE Select); coding-DNA position 1475, C replaced by T.
Protein change: p.Thr492Ile; replaces threonine 492 with isoleucine.
Molecular consequence: missense variant.
Genome position (GRCh38, 1-based): chr7:39,987,862, C>T. VCF-style: chr7-39987862-C-T. GRCh37 (hg19) VCF-style: chr7-40027461-C-T.
Other names: c.1475C>T, p.Thr492Ile (NM_031267.4); short protein forms T492I.
Identifiers: ClinVar variation 4760703 (VCV004760703.1).